The following is an entry in ClinVar:

NM_000059.4(BRCA2):c.3849_3850insT (p.Ser1284Ter)

Gene: BRCA2 (BRCA2 DNA repair associated; plus strand). Cytogenetic location: 13q13.1.
Variant type: Insertion.
Coding change: c.3849_3850insT on transcript NM_000059.4 (MANE Select); coding-DNA positions 3849 to 3850, T inserted.
Protein change: p.Ser1284Ter; replaces serine 1284 with a stop codon.
Molecular consequence: nonsense.
Genome position: GRCh38 VCF-style: chr13-32338204-A-AT. GRCh37 (hg19) VCF-style: chr13-32912341-A-AT.
Other names: short protein forms S1284*.
Identifiers: ClinVar variation 254526 (VCV000254526.2), dbSNP rs886038096, ClinGen allele CA10586517.

ClinVar aggregate classification (germline): Pathogenic (3 of 4 stars; one submission).

Conditions:
Breast-ovarian cancer, familial, susceptibility to, 2 (BROVCA2). Also called: BRCA2 Hereditary Breast and Ovarian Cancer. Identifiers: Orphanet 145, MedGen C2675520, MONDO:0012933, OMIM 612555. Disease mechanism: loss of function.

Submission:

Evidence-based Network for the Interpretation of Germline Mutant Alleles (ENIGMA)
Classification: Pathogenic for Breast-ovarian cancer, familial, susceptibility to, 2. Last evaluated: 2016-09-08. Review status: reviewed by expert panel. Criteria: ENIGMA BRCA1/2 Classification Criteria (2015). Collection method: curation. Allele origin: germline.
Comment: Variant allele predicted to encode a truncated non-functional protein.